The following is an entry in ClinVar:

ClinVar aggregate classification (germline): Uncertain significance. Review status: criteria provided, multiple submitters, no conflicts (2 of 4 stars). 3 submissions from 3 submitters: Uncertain significance (3). Last evaluated 2024-11-15.

Conditions:
Inborn genetic diseases. Identifiers: MedGen C0950123, MeSH D030342.

Allele frequency attached by ClinVar (database versions not stated): gnomAD exomes 0.00001; gnomAD 0.00004; TOPMed 0.00005; ESP Exome Variant Server 0.00008.
gnomAD v4.1: 25 of 1,558,548 alleles (0.0016%); highest among the groups gnomAD compares: Admixed American, 0.0077%; no homozygotes.

Submissions (3):

Blueprint Genetics
Classification: Uncertain significance. Last evaluated: 2024-11-15. Review status: criteria provided, single submitter. Criteria: ACMG Guidelines, 2015. Collection method: clinical testing. Allele origin: germline.

Mayo Clinic Laboratories, Mayo Clinic
Classification: Uncertain significance. Last evaluated: 2023-06-16. Review status: criteria provided, single submitter. Criteria: ACMG Guidelines, 2015. Collection method: clinical testing. Allele origin: germline. Observed: 1 variant allele.
Comment: PP3, PM2

Ambry Genetics
Classification: Uncertain significance for Inborn genetic diseases. Last evaluated: 2022-10-26. Review status: criteria provided, single submitter. Criteria: Ambry Variant Classification Scheme 2023. Collection method: clinical testing. Allele origin: germline.

NM_001985.3(ETFB):c.581C>T (p.Thr194Met)

Gene: ETFB (electron transfer flavoprotein subunit beta; minus strand). Cytogenetic location: 19q13.41.
Variant type: single nucleotide variant.
Coding change: c.581C>T on transcript NM_001985.3 (MANE Select); coding-DNA position 581, C replaced by T.
Protein change: p.Thr194Met; replaces threonine 194 with methionine.
Molecular consequence: missense variant.
Genome position (GRCh38, 1-based): chr19:51,346,916, G>A on the plus strand (C>T on the coding strand, the complement: ETFB is on the minus strand). VCF-style: chr19-51346916-G-A. GRCh37 (hg19) VCF-style: chr19-51850170-G-A.
Other names: p.Thr194Met; c.854C>T, p.Thr285Met (NM_001014763.1); short protein forms T194M, T285M.
Identifiers: ClinVar variation 2404715 (VCV002404715.4), dbSNP rs369138107, ClinGen allele CA309728267.